The following is an entry in ClinVar:

NM_002048.3(GAS1):c.241G>T (p.Gly81Trp)

Genes: GAS1 (growth arrest specific 1; minus strand), LOC130001972 (ATAC-STARR-seq lymphoblastoid silent region 19998; plus strand). Cytogenetic location: 9q21.33.
Variant type: single nucleotide variant.
Coding change: c.241G>T on transcript NM_002048.3 (MANE Select); coding-DNA position 241, G replaced by T.
Protein change: p.Gly81Trp; replaces glycine 81 with tryptophan.
Molecular consequence: missense variant.
Genome position (GRCh38, 1-based): chr9:86,946,539, C>A on the plus strand (G>T on the coding strand, the complement: GAS1 is on the minus strand). VCF-style: chr9-86946539-C-A. GRCh37 (hg19) VCF-style: chr9-89561454-C-A.
Other names: short protein forms G81W.
Identifiers: ClinVar variation 4779900 (VCV004779900.1).

ClinVar aggregate classification (germline): Uncertain significance (1 of 4 stars; one submission).

gnomAD v4.1: 3 of 1,395,898 alleles (0.00021%); highest among the groups gnomAD compares: East Asian, 0.0063%; no homozygotes.

Submission:

Labcorp Genetics (formerly Invitae), Labcorp
Classification: Uncertain significance. Last evaluated: 2025-12-02. Review status: criteria provided, single submitter. Criteria: Invitae Variant Classification Sherloc (09022015). Collection method: clinical testing. Allele origin: germline.
Comment: This sequence change replaces glycine, which is neutral and non-polar, with tryptophan, which is neutral and slightly polar, at codon 81 of the GAS1 protein (p.Gly81Trp). This variant is not present in population databases (gnomAD no frequency). This variant has not been reported in the literature in individuals affected with GAS1-related conditions. An algorithm developed to predict the effect of missense changes on protein structure and function (PolyPhen-2) suggests that this variant is likely to be disruptive. In summary, the available evidence is currently insufficient to determine the role of this variant in disease. Therefore, it has been classified as a Variant of Uncertain Significance.